The following is an entry in ClinVar:

NM_025152.2(NUBPL):c.[166G>A;815-27T>C]

Variant type: Haplotype.
Identifiers: ClinVar variation 7 (VCV000000007.4).

ClinVar aggregate classification (germline): Pathogenic/Likely pathogenic. Review status: criteria provided, multiple submitters, no conflicts (2 of 4 stars). 3 submissions from 3 submitters: Pathogenic (1); Likely pathogenic (1). 1 of the submissions does not count toward it. Last evaluated 2024-04-10.

Conditions:
Mitochondrial complex I deficiency. Also called: NADH:Q(1) OXIDOREDUCTASE DEFICIENCY. Identifiers: Orphanet 2609, MedGen C1838979, MeSH C537475, MONDO:0100133.
Mitochondrial complex I deficiency, nuclear type 21. Also called: Mitochondrial complex 1 deficiency, nuclear type 21. Identifiers: MedGen C4748792, MONDO:0032625, OMIM 618242.

Submissions (3):

Rady Children's Institute for Genomic Medicine, Rady Children's Hospital San Diego
Classification: Likely pathogenic for MITOCHONDRIAL COMPLEX I DEFICIENCY, NUCLEAR TYPE 21. Last evaluated: 2024-04-10. Review status: criteria provided, single submitter. Criteria: ACMG Guidelines, 2015. Collection method: clinical testing. Allele origin: germline. Affected: yes.
Comment: When these variants are present in cis configuration [c.166G>A (p.G56R); c.815-27T>C] they represent a NUBPL complex allele. This NUBPL complex allele [c.166G>A (p.G56R); c.815-27T>C] has been previously reported in the compound heterozygous state in individuals with mitochondrial complex I deficiency, nuclear type 21 (PMID: 20818383, 23553477, 29982452, 32518176). This complex allele has been reported in the Clinvar database (NUBPL:166G>A; 815-27T>C). Functional studies indicated that the c.166G>A (p.G56R) variant does not affect protein function (PMID: 22072591), while the c.815-27T>C variant shows abnormal splicing. Additionally, functional studies of the c.815-27T>C variant resulted in lower expression of the NUBPL protein leading to an 80% decrease in complex I assembly and function (PMID: 22072591, 23828044, 29982452). When the c.166G>A (p.G56R) and the c.815-27T>C variants are present in cis configuration as a complex allele, they result in more significant decreases in the NUBPL mRNA and protein expression (PMID: 22072591). The c.166G>A (p.G56R) variant is present in the heterozygous state in the gnomAD v4 population database at a frequency of 0.01% (241/1613554) and is absent in the homozygous state. The c.815-27T>C variant is present in the gnomAD v4 population database at a frequency of 0.4% (5867/1571878) in the heterozygous state and in 22 individuals in the homozygous state. Based on the available evidence, the c.166G>A (p.G56R) and c.815-27T>C in cis as a complex allele are classified as Likely Pathogenic.

Baylor Genetics
Classification: Pathogenic for Mitochondrial complex I deficiency, nuclear type 1. Last evaluated: 2017-09-01. Review status: criteria provided, single submitter. Criteria: ACMG Guidelines, 2015. Collection method: clinical testing. Allele origin: germline. Inheritance: Autosomal recessive inheritance.

OMIM
Classification: Pathogenic for MITOCHONDRIAL COMPLEX I DEFICIENCY, NUCLEAR TYPE 21. Last evaluated: 2013-04-23. Review status: no assertion criteria provided. Collection method: literature only. Allele origin: germline. Not counted in ClinVar's aggregate classification.

Literature cited by the submitters: PubMed 22072591 (cited by Baylor Genetics and OMIM); PubMed 20818383 (cited by Baylor Genetics and OMIM); PubMed 26633545 (cited by Baylor Genetics); PubMed 25326635 (cited by Baylor Genetics); PubMed 23553477 (cited by OMIM); PubMed 32518176 (cited by OMIM).